The following is an entry in ClinVar:

ClinVar aggregate classification (germline): Conflicting classifications of pathogenicity. Review status: criteria provided, conflicting classifications (1 of 4 stars). 3 submissions from 3 submitters: Uncertain significance (1); Likely benign (2). Last evaluated 2025-09-23.

Conditions:
NEK1-related disorder. Also called: NEK1-related condition.
Short-rib thoracic dysplasia 6 with or without polydactyly (SRTD6). Also called: SHORT-RIB THORACIC DYSPLASIA 6 WITH POLYDACTYLY; SHORT-RIB THORACIC DYSPLASIA 6 WITHOUT POLYDACTYLY; Majewski Syndrome; POLYDACTYLY WITH NEONATAL CHONDRODYSTROPHY, TYPE II; SHORT RIB-POLYDACTYLY SYNDROME, TYPE IIA. Identifiers: MedGen C0024507, MONDO:0009894, OMIM 263520.

Allele frequency attached by ClinVar (database versions not stated): ExAC 0.00002; gnomAD 0.00003 and 0.00004; TOPMed 0.00003; gnomAD exomes 0.00004 and 0.00008; ESP Exome Variant Server 0.00017.
gnomAD v4.1: 117 of 1,613,636 alleles (0.0073%); highest among the groups gnomAD compares: Middle Eastern, 0.016%; no homozygotes.

Submissions (3):

PreventionGenetics, part of Exact Sciences
Classification: Likely benign for NEK1-related condition. Last evaluated: 2025-09-23. Review status: criteria provided, single submitter. Criteria: ACMG Guidelines, 2015. Collection method: clinical testing. Allele origin: germline.
Comment: This variant is classified as likely benign based on ACMG/AMP sequence variant interpretation guidelines (Richards et al. 2015 PMID: 25741868, with internal and published modifications).

Labcorp Genetics (formerly Invitae), Labcorp
Classification: Likely benign for Short-rib thoracic dysplasia 6 with or without polydactyly. Last evaluated: 2025-01-19. Review status: criteria provided, single submitter. Criteria: Invitae Variant Classification Sherloc (09022015). Collection method: clinical testing. Allele origin: germline.

Illumina Laboratory Services, Illumina
Classification: Uncertain significance for Short-rib thoracic dysplasia 6 with or without polydactyly. Last evaluated: 2018-01-13. Review status: criteria provided, single submitter. Criteria: ICSL Variant Classification Criteria 13 December 2019. Collection method: clinical testing. Allele origin: germline.

NM_001199397.3(NEK1):c.3135T>C (p.Ser1045=)

Gene: NEK1 (NIMA related kinase 1; minus strand). Cytogenetic location: 4q33.
Variant type: single nucleotide variant.
Coding change: c.3135T>C on transcript NM_001199397.3 (MANE Select); coding-DNA position 3135, T replaced by C.
Protein change: p.Ser1045=; no amino-acid change (serine 1045 retained).
Molecular consequence: synonymous variant. On other transcripts: non-coding transcript variant (1).
Genome position (GRCh38, 1-based): chr4:169,424,640, A>G on the plus strand (T>C on the coding strand, the complement: NEK1 is on the minus strand). VCF-style: chr4-169424640-A-G. GRCh37 (hg19) VCF-style: chr4-170345791-A-G.
Other names: c.3003T>C, p.Ser1001= (NM_001199398.3); c.2844T>C, p.Ser948= (NM_001199399.3); c.2919T>C, p.Ser973= (NM_001199400.3); c.3135T>C, p.Ser1045= (NM_001374418.1); c.3051T>C, p.Ser1017= (NM_001374419.1, NM_012224.4); c.3000T>C, p.Ser1000= (NM_001374420.1); c.2652T>C, p.Ser884= (NM_001374421.1).
Identifiers: ClinVar variation 744552 (VCV000744552.13), dbSNP rs370713361, ClinGen allele CA3137231.